The following is an entry in ClinVar:

NM_001042492.3(NF1):c.5049C>A (p.Asn1683Lys)

Gene: NF1 (neurofibromin 1; plus strand). Cytogenetic location: 17q11.2.
Variant type: single nucleotide variant.
Coding change: c.5049C>A on transcript NM_001042492.3 (MANE Select); coding-DNA position 5049, C replaced by A.
Protein change: p.Asn1683Lys; replaces asparagine 1683 with lysine.
Molecular consequence: missense variant.
Genome position (GRCh38, 1-based): chr17:31,326,033, C>A. VCF-style: chr17-31326033-C-A. GRCh37 (hg19) VCF-style: chr17-29653051-C-A.
Other names: p.Asn1662Lys; c.4986C>A, p.Asn1662Lys (NM_000267.4); short protein forms N1683K, N1662K.
Identifiers: ClinVar variation 2736555 (VCV002736555.4), dbSNP rs140994965, ClinGen allele CA399007397.

ClinVar aggregate classification (germline): Pathogenic/Likely pathogenic. Review status: criteria provided, multiple submitters, no conflicts (2 of 4 stars). 2 submissions from 2 submitters: Pathogenic (1); Likely pathogenic (1). Last evaluated 2025-10-21.

Conditions:
Neurofibromatosis, type 1 (NF1). Also called: Neurofibromatosis, type I; Peripheral type neurofibromatosis; VON RECKLINGHAUSEN DISEASE; NEUROFIBROMATOSIS, TYPE I, SOMATIC. Identifiers: Orphanet 636, MedGen C0027831, MONDO:0018975, OMIM 162200. Disease mechanism: loss of function.

Submissions (2):

Mayo Clinic Laboratories, Mayo Clinic
Classification: Likely pathogenic. Last evaluated: 2025-10-21. Review status: criteria provided, single submitter. Criteria: ACMG Guidelines, 2015. Collection method: clinical testing. Allele origin: germline. Observed: 1 variant allele.
Comment: PP2, PP3_moderate, PP4, PM2_supporting, PS4_moderate

Labcorp Genetics (formerly Invitae), Labcorp
Classification: Pathogenic for Neurofibromatosis, type 1. Last evaluated: 2023-10-30. Review status: criteria provided, single submitter. Criteria: Invitae Variant Classification Sherloc (09022015). Collection method: clinical testing. Allele origin: germline.
Comment: This sequence change replaces asparagine, which is neutral and polar, with lysine, which is basic and polar, at codon 1662 of the NF1 protein (p.Asn1662Lys). This variant is not present in population databases (gnomAD no frequency). This missense change has been observed in individual(s) with clinical features of neurofibromatosis type 1 (PMID: 24676943, 27322474; Invitae). Advanced modeling of protein sequence and biophysical properties (such as structural, functional, and spatial information, amino acid conservation, physicochemical variation, residue mobility, and thermodynamic stability) performed at Invitae indicates that this missense variant is expected to disrupt NF1 protein function with a positive predictive value of 95%. For these reasons, this variant has been classified as Pathogenic.

Literature cited by the submitters: PubMed 27322474 (cited by Mayo Clinic Laboratories, Mayo Clinic and Labcorp Genetics (formerly Invitae), Labcorp); PubMed 24676943 (cited by Labcorp Genetics (formerly Invitae), Labcorp).